The following is an entry in ClinVar:

NM_000287.4(PEX6):c.1630G>A (p.Asp544Asn)

Gene: PEX6 (peroxisomal biogenesis factor 6; minus strand). Cytogenetic location: 6p21.1.
Variant type: single nucleotide variant.
Coding change: c.1630G>A on transcript NM_000287.4 (MANE Select); coding-DNA position 1630, G replaced by A.
Protein change: p.Asp544Asn; replaces aspartic acid 544 with asparagine.
Molecular consequence: missense variant. On other transcripts: non-coding transcript variant (1).
Genome position (GRCh38, 1-based): chr6:42,968,348, C>T on the plus strand (G>A on the coding strand, the complement: PEX6 is on the minus strand). VCF-style: chr6-42968348-C-T. GRCh37 (hg19) VCF-style: chr6-42936086-C-T.
Other names: c.1366G>A, p.Asp456Asn (NM_001316313.2); short protein forms D456N, D544N.
Identifiers: ClinVar variation 1489944 (VCV001489944.3), dbSNP rs2114244681, ClinGen allele CA364154190.

ClinVar aggregate classification (germline): Uncertain significance (1 of 4 stars; one submission).

Conditions:
Peroxisome biogenesis disorder. Identifiers: Orphanet 79189, MedGen C1832200, MONDO:0019234. Disease mechanism: loss of function.

Allele frequency attached by ClinVar (database versions not stated): gnomAD exomes below 0.00001.
gnomAD v4.1: 1 of 1,614,178 alleles (0.000062%); highest among the groups gnomAD compares: Non-Finnish European, 0.000085%; no homozygotes.

Submission:

Labcorp Genetics (formerly Invitae), Labcorp
Classification: Uncertain significance for Peroxisome biogenesis disorder. Last evaluated: 2021-11-19. Review status: criteria provided, single submitter. Criteria: Invitae Variant Classification Sherloc (09022015). Collection method: clinical testing. Allele origin: germline.
Comment: This sequence change replaces aspartic acid, which is acidic and polar, with asparagine, which is neutral and polar, at codon 544 of the PEX6 protein (p.Asp544Asn). This variant is not present in population databases (gnomAD no frequency). This variant has not been reported in the literature in individuals affected with PEX6-related conditions. Algorithms developed to predict the effect of missense changes on protein structure and function are either unavailable or do not agree on the potential impact of this missense change (SIFT: "Tolerated"; PolyPhen-2: "Possibly Damaging"; Align-GVGD: "Class C0"). In summary, the available evidence is currently insufficient to determine the role of this variant in disease. Therefore, it has been classified as a Variant of Uncertain Significance.